The following is an entry in ClinVar:

NM_016628.5(WAC):c.1875-4dup

Gene: WAC (WW domain containing adaptor with coiled-coil; plus strand). Cytogenetic location: 10p12.1.
Variant type: Duplication.
Coding change: c.1875-4dup on transcript NM_016628.5 (MANE Select); 4 bases into the intron before coding-DNA position 1875, one base duplicated (T; older notation c.1875-4dupT).
Molecular consequence: intron variant.
Genome position (GRCh38, 1-based): chr10:28,619,533, T duplicated; the last of 10 consecutive T bases (chr10:28,619,524-28,619,533); duplicating any one gives the same sequence. VCF-style (leftmost placement, unchanged base first): chr10-28619523-C-CT. GRCh37 (hg19) VCF-style: chr10-28908452-C-CT.
Other names: c.1740-4dup (NM_100264.3); c.1566-4dup (NM_100486.4).
Identifiers: ClinVar variation 3060411 (VCV003060411.2), dbSNP rs372119062, ClinGen allele CA5455176.
Genomic context (GRCh38, chr10:28,619,523, plus strand): 5'-TAATTATAAAAGCTCGGGTTTTCTGTAATATTTGTATATGTACACAGGTTCTAATGTCTG[C>CT]TTTTTTTTTTCAGGATACTATTTTTGAGACAACAAATTAAGGAACTTGAAAAGCTAAAAA-3'

ClinVar aggregate classification (germline): Benign (0 of 4 stars; one submission).

Conditions:
WAC-related disorder. Also called: WAC-related condition.

Submission:

PreventionGenetics, part of Exact Sciences
Classification: Benign for WAC-related condition. Last evaluated: 2019-08-08. Review status: no assertion criteria provided. Collection method: clinical testing. Allele origin: germline.
Comment: This variant is classified as benign based on ACMG/AMP sequence variant interpretation guidelines (Richards et al. 2015 PMID: 25741868, with internal and published modifications).